The following is an entry in ClinVar:

ClinVar aggregate classification (germline): Uncertain significance. Review status: criteria provided, multiple submitters, no conflicts (2 of 4 stars). 4 submissions from 4 submitters: Uncertain significance (4). Last evaluated 2024-04-08.

Conditions:
X-linked severe congenital neutropenia (SCNX). Identifiers: Orphanet 86788, MedGen C1845987, MONDO:0010294, OMIM 300299.
Thrombocytopenia 1. Also called: X-linked thrombocytopenia with normal platelets; THROMBOCYTOPENIA, X-LINKED, 1; X-Linked Thrombocytopenia (XLT). Identifiers: Orphanet 268322, Orphanet 852, MedGen C1839163, MONDO:0010743, OMIM 313900.
Wiskott-Aldrich syndrome (WAS). Also called: ALDRICH SYNDROME; IMMUNODEFICIENCY 2; WISKOTT-ALDRICH SYNDROME 1; Wiskott-aldrich syndrome, somatic. Identifiers: Orphanet 906, MedGen C0043194, MONDO:0010518, OMIM 301000.
Inborn genetic diseases. Identifiers: MedGen C0950123, MeSH D030342.

Allele frequency attached by ClinVar (database versions not stated): gnomAD exomes 0.00001; TOPMed 0.00001.
gnomAD v4.1: 10 of 1,203,762 alleles (0.00083%); highest among the groups gnomAD compares: East Asian, 0.003%; no homozygotes.

Submissions (4):

Fulgent Genetics
Classification: Uncertain significance for X-linked severe congenital neutropenia; Wiskott-Aldrich syndrome; Thrombocytopenia 1. Last evaluated: 2024-04-08. Review status: criteria provided, single submitter. Criteria: ACMG Guidelines, 2015. Collection method: clinical testing. Allele origin: germline.

Labcorp Genetics (formerly Invitae), Labcorp
Classification: Uncertain significance for Wiskott-Aldrich syndrome; X-linked severe congenital neutropenia; Thrombocytopenia 1. Last evaluated: 2022-05-08. Review status: criteria provided, single submitter. Criteria: Invitae Variant Classification Sherloc (09022015). Collection method: clinical testing. Allele origin: germline.
Comment: This sequence change replaces arginine, which is basic and polar, with tryptophan, which is neutral and slightly polar, at codon 431 of the WAS protein (p.Arg431Trp). The frequency data for this variant in the population databases is considered unreliable, as metrics indicate poor data quality at this position in the gnomAD database. This variant has not been reported in the literature in individuals affected with WAS-related conditions. Experimental studies and prediction algorithms are not available or were not evaluated, and the functional significance of this variant is currently unknown. In summary, the available evidence is currently insufficient to determine the role of this variant in disease. Therefore, it has been classified as a Variant of Uncertain Significance.

Blueprint Genetics
Classification: Uncertain significance. Last evaluated: 2022-04-19. Review status: criteria provided, single submitter. Criteria: ACMG Guidelines, 2015. Collection method: clinical testing. Allele origin: germline.

Ambry Genetics
Classification: Uncertain significance for Inborn genetic diseases. Last evaluated: 2021-08-12. Review status: criteria provided, single submitter. Criteria: Ambry Variant Classification Scheme 2023. Collection method: clinical testing. Allele origin: germline.

NM_000377.3(WAS):c.1291C>T (p.Arg431Trp)

Gene: WAS (WASP actin nucleation promoting factor; plus strand). Cytogenetic location: Xp11.23.
Variant type: single nucleotide variant.
Coding change: c.1291C>T on transcript NM_000377.3 (MANE Select); coding-DNA position 1291, C replaced by T.
Protein change: p.Arg431Trp; replaces arginine 431 with tryptophan.
Molecular consequence: missense variant.
Genome position (GRCh38, 1-based): chrX:48,689,019, C>T. VCF-style: chrX-48689019-C-T. GRCh37 (hg19) VCF-style: chrX-48547408-C-T.
Other names: short protein forms R431W.
Identifiers: ClinVar variation 1895804 (VCV001895804.5), dbSNP rs1208621552, ClinGen allele CA412873657.